The following is an entry in ClinVar:

ClinVar aggregate classification (germline): Pathogenic/Likely pathogenic. Review status: criteria provided, multiple submitters, no conflicts (2 of 4 stars). 2 submissions from 2 submitters: Pathogenic (1); Likely pathogenic (1). Last evaluated 2026-03-02.

Conditions:
Moderate global developmental delay. Identifiers: MedGen C2237142, HP:0011343.
Autistic behavior. Identifiers: MedGen C0856975, HP:0000729.

Submissions (2):

GeneDx
Classification: Pathogenic. Last evaluated: 2026-03-02. Review status: criteria provided, single submitter. Criteria: GeneDx Variant Classification Process June 2021. Collection method: clinical testing. Allele origin: germline.
Comment: Nonsense variant predicted to result in protein truncation or nonsense mediated decay in a gene for which loss of function is a known mechanism of disease; Not observed at significant frequency in large population cohorts (gnomAD); This variant is associated with the following publications: (PMID: 40004448, 32005960)

Equipe Genetique des Anomalies du Developpement, Université de Bourgogne
Classification: Likely pathogenic for Moderate global developmental delay; Autistic behavior. Last evaluated: 2016-09-13. Review status: criteria provided, single submitter. Criteria: ACMG Guidelines, 2015. Collection method: clinical testing. Allele origin: de novo. Affected: yes. Observed: 1 variant allele.

NM_006593.4(TBR1):c.844C>T (p.Gln282Ter)

Gene: TBR1 (T-box brain transcription factor 1; plus strand). Cytogenetic location: 2q24.2.
Variant type: single nucleotide variant.
Coding change: c.844C>T on transcript NM_006593.4 (MANE Select); coding-DNA position 844, C replaced by T.
Protein change: p.Gln282Ter; replaces glutamine 282 with a stop codon.
Molecular consequence: nonsense.
Genome position (GRCh38, 1-based): chr2:161,417,827, C>T. VCF-style: chr2-161417827-C-T. GRCh37 (hg19) VCF-style: chr2-162274338-C-T.
Other names: short protein forms Q282*.
Identifiers: ClinVar variation 523677 (VCV000523677.3), dbSNP rs1553510313, ClinGen allele CA349212340.
Genomic context (GRCh38, chr2:161,417,827, plus strand): 5'-AATCACTGGAGGTTTCAAGGAGGCAAATGGGTTCCTTGCGGCAAAGCGGACACCAATGTG[C>T]AAGGCAAGTCCTTCCAATTAACACATTTTCTTGACACTTATTTAGGTGAGAATGATTAAT-3'